The following is an entry in ClinVar:

NM_005228.5(EGFR):c.3389G>C (p.Ser1130Thr)

Gene: EGFR (epidermal growth factor receptor; plus strand). Cytogenetic location: 7p11.2.
Variant type: single nucleotide variant.
Coding change: c.3389G>C on transcript NM_005228.5 (MANE Select); coding-DNA position 3389, G replaced by C.
Protein change: p.Ser1130Thr; replaces serine 1130 with threonine.
Molecular consequence: missense variant.
Genome position (GRCh38, 1-based): chr7:55,205,373, G>C. VCF-style: chr7-55205373-G-C. GRCh37 (hg19) VCF-style: chr7-55273066-G-C.
Other names: c.3254G>C, p.Ser1085Thr (NM_001346899.2); c.3230G>C, p.Ser1077Thr (NM_001346900.2); c.2588G>C, p.Ser863Thr (NM_001346941.2); short protein forms S1130T, S863T, S1077T, S1085T.
Identifiers: ClinVar variation 948165 (VCV000948165.10), dbSNP rs1788067719, ClinGen allele CA367584513.

ClinVar aggregate classification (germline): Uncertain significance. Review status: criteria provided, multiple submitters, no conflicts (2 of 4 stars). 2 submissions from 2 submitters: Uncertain significance (2). Last evaluated 2025-11-30.

Conditions:
Hereditary cancer-predisposing syndrome. Also called: Hereditary neoplastic syndrome; Neoplastic Syndromes, Hereditary; Tumor predisposition; Hereditary Cancer Syndrome. Identifiers: Orphanet 140162, MedGen C0027672, MeSH D009386, MONDO:0015356.
EGFR-related lung cancer (EGFR). Identifiers: MedGen CN130014.

gnomAD v4.1: 1 of 1,613,932 alleles (0.000062%); no homozygotes.

Submissions (2):

Ambry Genetics
Classification: Uncertain significance for Hereditary cancer-predisposing syndrome. Last evaluated: 2025-11-30. Review status: criteria provided, single submitter. Criteria: Ambry Variant Classification Scheme 2023. Collection method: clinical testing. Allele origin: germline.
Comment: The p.S1130T variant (also known as c.3389G>C), located in coding exon 28 of the EGFR gene, results from a G to C substitution at nucleotide position 3389. The serine at codon 1130 is replaced by threonine, an amino acid with similar properties. This amino acid position is conserved. In addition, this alteration is predicted to be tolerated by in silico analysis. Based on the available evidence, the clinical significance of this variant remains unclear.

Labcorp Genetics (formerly Invitae), Labcorp
Classification: Uncertain significance for EGFR-related lung cancer. Last evaluated: 2023-07-17. Review status: criteria provided, single submitter. Criteria: Invitae Variant Classification Sherloc (09022015). Collection method: clinical testing. Allele origin: germline.
Comment: This sequence change replaces serine, which is neutral and polar, with threonine, which is neutral and polar, at codon 1130 of the EGFR protein (p.Ser1130Thr). In summary, the available evidence is currently insufficient to determine the role of this variant in disease. Therefore, it has been classified as a Variant of Uncertain Significance. An algorithm developed to predict the effect of missense changes on protein structure and function (PolyPhen-2) suggests that this variant is likely to be tolerated. ClinVar contains an entry for this variant (Variation ID: 948165). This variant has not been reported in the literature in individuals affected with EGFR-related conditions. This variant is not present in population databases (gnomAD no frequency).